The following is an entry in ClinVar:

ClinVar aggregate classification (germline): Uncertain significance. Review status: criteria provided, multiple submitters, no conflicts (2 of 4 stars). 2 submissions from 2 submitters: Uncertain significance (2). Last evaluated 2024-06-17.

gnomAD v4.1: 2 of 1,614,058 alleles (0.00012%); highest among the groups gnomAD compares: Admixed American, 0.0017%; no homozygotes.

Submissions (2):

GeneDx
Classification: Uncertain significance. Last evaluated: 2024-06-17. Review status: criteria provided, single submitter. Criteria: GeneDx Variant Classification Process June 2021. Collection method: clinical testing. Allele origin: germline. Affected: yes.
Comment: Not observed at significant frequency in large population cohorts (gnomAD); In silico analysis indicates that this missense variant does not alter protein structure/function; Has not been previously published as pathogenic or benign to our knowledge

Labcorp Genetics (formerly Invitae), Labcorp
Classification: Uncertain significance. Last evaluated: 2022-05-27. Review status: criteria provided, single submitter. Criteria: Invitae Variant Classification Sherloc (09022015). Collection method: clinical testing. Allele origin: germline.
Comment: This sequence change replaces alanine, which is neutral and non-polar, with serine, which is neutral and polar, at codon 2623 of the USH2A protein (p.Ala2623Ser). This variant is present in population databases (no rsID available, gnomAD 0.003%). This variant has not been reported in the literature in individuals affected with USH2A-related conditions. Algorithms developed to predict the effect of missense changes on protein structure and function are either unavailable or do not agree on the potential impact of this missense change (SIFT: "Tolerated"; PolyPhen-2: "Possibly Damaging"; Align-GVGD: "Class C0"). In summary, the available evidence is currently insufficient to determine the role of this variant in disease. Therefore, it has been classified as a Variant of Uncertain Significance.

NM_206933.4(USH2A):c.7867G>T (p.Ala2623Ser)

Gene: USH2A (usherin; minus strand). Cytogenetic location: 1q41.
Variant type: single nucleotide variant.
Coding change: c.7867G>T on transcript NM_206933.4 (MANE Select); coding-DNA position 7867, G replaced by T.
Protein change: p.Ala2623Ser; replaces alanine 2623 with serine.
Molecular consequence: missense variant.
Genome position (GRCh38, 1-based): chr1:215,888,782, C>A on the plus strand (G>T on the coding strand, the complement: USH2A is on the minus strand). VCF-style: chr1-215888782-C-A. GRCh37 (hg19) VCF-style: chr1-216062124-C-A.
Other names: c.7867G>T (NM_206933.2); short protein forms A2623S.
Identifiers: ClinVar variation 2417765 (VCV002417765.4), dbSNP rs1016015863, ClinGen allele CA37442622.